The following is an entry in ClinVar:

ClinVar aggregate classification (germline): Uncertain significance. Review status: criteria provided, multiple submitters, no conflicts (2 of 4 stars). 2 submissions from 2 submitters: Uncertain significance (2). Last evaluated 2025-12-01.

Conditions:
Inborn genetic diseases. Identifiers: MedGen C0950123, MeSH D030342.

Submissions (2):

Labcorp Genetics (formerly Invitae), Labcorp
Classification: Uncertain significance. Last evaluated: 2025-12-01. Review status: criteria provided, single submitter. Criteria: Invitae Variant Classification Sherloc (09022015). Collection method: clinical testing. Allele origin: germline.
Comment: This sequence change replaces leucine, which is neutral and non-polar, with proline, which is neutral and non-polar, at codon 1000 of the SAMD9L protein (p.Leu1000Pro). This variant is not present in population databases (gnomAD no frequency). This variant has not been reported in the literature in individuals affected with SAMD9L-related conditions. ClinVar contains an entry for this variant (Variation ID: 3949757). Invitae Evidence Modeling of protein sequence and biophysical properties (such as structural, functional, and spatial information, amino acid conservation, physicochemical variation, residue mobility, and thermodynamic stability) indicates that this missense variant is expected to disrupt SAMD9L protein function with a positive predictive value of 80%. In summary, the available evidence is currently insufficient to determine the role of this variant in disease. Therefore, it has been classified as a Variant of Uncertain Significance.

Ambry Genetics
Classification: Uncertain significance for Inborn genetic diseases. Last evaluated: 2025-03-17. Review status: criteria provided, single submitter. Criteria: Ambry Variant Classification Scheme 2023. Collection method: clinical testing. Allele origin: germline.
Comment: The p.L1000P variant (also known as c.2999T>C), located in coding exon 1 of the SAMD9L gene, results from a T to C substitution at nucleotide position 2999. The leucine at codon 1000 is replaced by proline, an amino acid with similar properties. This amino acid position is conserved. In addition, the in silico prediction for this alteration is inconclusive. Based on the available evidence, the clinical significance of this variant remains unclear.

NM_152703.5(SAMD9L):c.2999T>C (p.Leu1000Pro)

Gene: SAMD9L (sterile alpha motif domain containing 9 like; minus strand). Cytogenetic location: 7q21.2.
Variant type: single nucleotide variant.
Coding change: c.2999T>C on transcript NM_152703.5 (MANE Select); coding-DNA position 2999, T replaced by C.
Protein change: p.Leu1000Pro; replaces leucine 1000 with proline.
Molecular consequence: missense variant.
Genome position (GRCh38, 1-based): chr7:93,132,973, A>G on the plus strand (T>C on the coding strand, the complement: SAMD9L is on the minus strand). VCF-style: chr7-93132973-A-G. GRCh37 (hg19) VCF-style: chr7-92762286-A-G.
Other names: c.2999T>C, p.Leu1000Pro (NM_001303496.3, NM_001303497.3, NM_001303498.3 and 5 more transcripts); short protein forms L1000P.
Identifiers: ClinVar variation 3949757 (VCV003949757.2).